The following is an entry in ClinVar:

NM_001375905.1(SGMS2):c.934G>A (p.Ala312Thr)

Genes: CYP2U1-AS1 (CYP2U1 and SGMS2 antisense RNA 1; minus strand), SGMS2 (sphingomyelin synthase 2; plus strand). Cytogenetic location: 4q25.
Variant type: single nucleotide variant.
Coding change: c.934G>A on transcript NM_001375905.1 (MANE Select); coding-DNA position 934, G replaced by A.
Protein change: p.Ala312Thr; replaces alanine 312 with threonine.
Molecular consequence: missense variant. On other transcripts: 3 prime UTR variant (1).
Genome position (GRCh38, 1-based): chr4:107,910,389, G>A. VCF-style: chr4-107910389-G-A. GRCh37 (hg19) VCF-style: chr4-108831545-G-A.
Other names: c.934G>A, p.Ala312Thr (NM_001136257.2, NM_001136258.2, NM_001375906.1 and 3 more transcripts); c.*38G>A (NM_001375910.1); c.415G>A, p.Ala139Thr (NM_001375911.1); short protein forms A139T, A312T.
Identifiers: ClinVar variation 2837923 (VCV002837923.3), dbSNP rs546559091, ClinGen allele CA102848978.
Genomic context (GRCh38, chr4:107,910,389, plus strand): 5'-ATTTTTTTCTACCATTTACAGAACTTGAAGGTCTCTTCACAGACTAATTTCTTATCTCGA[G>A]CATGGTGGTTCCCCATCTTTTATTTTTTTGAGAAAAATGTACAAGGCTCAATTCCTTGCT-3'
Protein context (NP_001362834.1, residues 302-322): VSSQTNFLSR[Ala312Thr]WWFPIFYFFE

ClinVar aggregate classification (germline): Uncertain significance (1 of 4 stars; one submission).

Allele frequency attached by ClinVar (database versions not stated): gnomAD exomes below 0.00001; gnomAD 0.00001.
gnomAD v4.1: 5 of 1,613,926 alleles (0.00031%); highest among the groups gnomAD compares: Non-Finnish European, 0.00042%; no homozygotes.

Submission:

Labcorp Genetics (formerly Invitae), Labcorp
Classification: Uncertain significance. Last evaluated: 2023-06-15. Review status: criteria provided, single submitter. Criteria: Invitae Variant Classification Sherloc (09022015). Collection method: clinical testing. Allele origin: germline.
Comment: This sequence change replaces alanine, which is neutral and non-polar, with threonine, which is neutral and polar, at codon 312 of the SGMS2 protein (p.Ala312Thr). This variant is not present in population databases (gnomAD no frequency). This variant has not been reported in the literature in individuals affected with SGMS2-related conditions. An algorithm developed to predict the effect of missense changes on protein structure and function (PolyPhen-2) suggests that this variant is likely to be tolerated. In summary, the available evidence is currently insufficient to determine the role of this variant in disease. Therefore, it has been classified as a Variant of Uncertain Significance.